The following is an entry in ClinVar:

NM_000038.6(APC):c.3238G>A (p.Glu1080Lys)

Gene: APC (APC regulator of Wnt signaling pathway; plus strand). Cytogenetic location: 5q22.2.
Variant type: single nucleotide variant.
Coding change: c.3238G>A on transcript NM_000038.6 (MANE Select); coding-DNA position 3238, G replaced by A.
Protein change: p.Glu1080Lys; replaces glutamic acid 1080 with lysine.
Molecular consequence: missense variant. On other transcripts: non-coding transcript variant (2).
Genome position (GRCh38, 1-based): chr5:112,838,832, G>A. VCF-style: chr5-112838832-G-A. GRCh37 (hg19) VCF-style: chr5-112174529-G-A.
Other names: c.3238G>A, p.Glu1080Lys (NM_001127510.3, NM_001354895.2, NM_001407450.1); c.3184G>A, p.Glu1062Lys (NM_001127511.3); c.3292G>A, p.Glu1098Lys (NM_001354896.2, NM_001407447.1, NM_001407448.1 and 1 more transcripts); c.3268G>A, p.Glu1090Lys (NM_001354897.2); c.3163G>A, p.Glu1055Lys (NM_001354898.2); c.3154G>A, p.Glu1052Lys (NM_001354899.2); c.3115G>A, p.Glu1039Lys (NM_001354900.2); c.3061G>A, p.Glu1021Lys (NM_001354901.2, NM_001407453.1); and 12 more; short protein forms E1021K, E1039K, E1052K, E1055K, E1062K, E1070K, E1073K, E1080K.
Identifiers: ClinVar variation 2677996 (VCV002677996.3), dbSNP rs2149887620, ClinGen allele CA16028434.

ClinVar aggregate classification (germline): Uncertain significance. Review status: criteria provided, multiple submitters, no conflicts (2 of 4 stars). 3 submissions from 3 submitters: Uncertain significance (3). Last evaluated 2026-08-20.

Conditions:
Familial adenomatous polyposis 1 (FAP1). Also called: FAMILIAL ADENOMATOUS POLYPOSIS 1, ATTENUATED; POLYPOSIS, ADENOMATOUS INTESTINAL. Identifiers: MedGen C2713442, MONDO:0021056, OMIM 175100. Disease mechanism: loss of function.
Hereditary cancer-predisposing syndrome. Also called: Hereditary neoplastic syndrome; Hereditary Cancer Syndrome; Neoplastic Syndromes, Hereditary; Tumor predisposition. Identifiers: Orphanet 140162, MedGen C0027672, MeSH D009386, MONDO:0015356.

Allele frequency attached by ClinVar (database versions not stated): gnomAD exomes below 0.00001.
gnomAD v4.1: 1 of 1,614,146 alleles (0.000062%); highest among the groups gnomAD compares: South Asian, 0.0011%; no homozygotes.

Submissions (3):

Ambry Genetics
Classification: Uncertain significance for Hereditary cancer-predisposing syndrome. Last evaluated: 2026-08-20. Review status: criteria provided, single submitter. Criteria: Ambry Variant Classification Scheme 2023. Collection method: clinical testing. Allele origin: germline.
Comment: The p.E1080K variant (also known as c.3238G>A), located in coding exon 15 of the APC gene, results from a G to A substitution at nucleotide position 3238. The glutamic acid at codon 1080 is replaced by lysine, an amino acid with similar properties. This amino acid position is highly conserved in available vertebrate species. In addition, in silico predictors for this gene do not accurately predict pathogenicity. Missense variants in APC are not a common cause of disease (Spier I et al. Genet Med. 2024 Feb;26(2):100992). Based on the available evidence, the clinical significance of this variant remains unclear.

Baylor Genetics
Classification: Uncertain significance for Familial adenomatous polyposis 1. Last evaluated: 2023-05-12. Review status: criteria provided, single submitter. Criteria: ACMG Guidelines, 2015. Collection method: clinical testing. Allele origin: unknown.

Quest Diagnostics Nichols Institute San Juan Capistrano
Classification: Uncertain significance. Last evaluated: 2022-11-15. Review status: criteria provided, single submitter. Criteria: Quest Diagnostics criteria. Collection method: clinical testing. Allele origin: unknown.
Comment: to the best of our knowledge, the variant has not been reported in the published literature. It also has not been reported in large, multi-ethnic general populations. Analysis of this variant using a bioinformatics tool for the prediction of the effect of amino acid changes on protein structure and function yielded a prediction that this variant is damaging. Based on the available information, we are unable to determine the clinical significance of this variant.